The following is an entry in ClinVar:

ClinVar aggregate classification (germline): Conflicting classifications of pathogenicity. Review status: criteria provided, conflicting classifications (1 of 4 stars). 3 submissions from 3 submitters: Uncertain significance (1); Likely benign (1). 1 of the submissions does not count toward it. Last evaluated 2018-04-04.

Conditions:
ARFGEF2-related disorder. Also called: ARFGEF2-related condition.
Periventricular heterotopia with microcephaly, autosomal recessive (ARPHM). Also called: Periventricular heterotopia with microcephaly; PERIVENTRICULAR NODULAR HETEROTOPIA 2. Identifiers: Orphanet 2149, MedGen C1842563, MONDO:0011966, OMIM 608097.

Allele frequency attached by ClinVar (database versions not stated): ExAC 0.00047; gnomAD 0.00058 and 0.00060; TOPMed 0.00064; gnomAD exomes 0.00065 and 0.00070; ESP Exome Variant Server 0.00104.
gnomAD v4.1: 1,035 of 1,487,502 alleles (0.07%); highest among the groups gnomAD compares: Non-Finnish European, 0.08%; 3 homozygotes.

Submissions (3):

GeneDx
Classification: Likely benign. Last evaluated: 2018-04-04. Review status: criteria provided, single submitter. Criteria: GeneDx Variant Classification (06012015). Collection method: clinical testing. Allele origin: germline. Affected: yes.
Comment: This variant is considered likely benign or benign based on one or more of the following criteria: it is a conservative change, it occurs at a poorly conserved position in the protein, it is predicted to be benign by multiple in silico algorithms, and/or has population frequency not consistent with disease.

Illumina Laboratory Services, Illumina
Classification: Uncertain significance for Periventricular heterotopia with microcephaly, autosomal recessive. Last evaluated: 2018-01-12. Review status: criteria provided, single submitter. Criteria: ICSL Variant Classification Criteria 13 December 2019. Collection method: clinical testing. Allele origin: germline.

PreventionGenetics, part of Exact Sciences
Classification: Likely benign for ARFGEF2-related condition. Last evaluated: 2022-07-15. Review status: no assertion criteria provided. Collection method: clinical testing. Allele origin: germline. Not counted in ClinVar's aggregate classification.
Comment: This variant is classified as likely benign based on ACMG/AMP sequence variant interpretation guidelines (Richards et al. 2015 PMID: 25741868, with internal and published modifications).

NM_006420.3(ARFGEF2):c.-43G>A

Genes: ARFGEF2 (ARF guanine nucleotide exchange factor 2; plus strand), LOC130066080 (ATAC-STARR-seq lymphoblastoid silent region 12991; plus strand). Cytogenetic location: 20q13.13.
Variant type: single nucleotide variant.
Coding change: c.-43G>A on transcript NM_006420.3 (MANE Select); 43 bases upstream of the start codon, G replaced by A.
Molecular consequence: 5 prime UTR variant.
Genome position (GRCh38, 1-based): chr20:48,921,847, G>A. VCF-style: chr20-48921847-G-A. GRCh37 (hg19) VCF-style: chr20-47538384-G-A.
Identifiers: ClinVar variation 338679 (VCV000338679.8), dbSNP rs370864802, ClinGen allele CA9898019.